The following is an entry in ClinVar:

NM_024996.7(GFM1):c.373G>A (p.Val125Met)

Gene: GFM1 (G elongation factor mitochondrial 1; plus strand). Cytogenetic location: 3q25.32.
Variant type: single nucleotide variant.
Coding change: c.373G>A on transcript NM_024996.7 (MANE Select); coding-DNA position 373, G replaced by A.
Protein change: p.Val125Met; replaces valine 125 with methionine.
Molecular consequence: missense variant. On other transcripts: non-coding transcript variant (3), intron variant (4).
Genome position (GRCh38, 1-based): chr3:158,646,748, G>A. VCF-style: chr3-158646748-G-A. GRCh37 (hg19) VCF-style: chr3-158364537-G-A.
Other names: c.148G>A, p.Val50Met (NM_001374357.1); c.5+967G>A (NM_001374359.1, NM_001374360.1, NM_001374361.1); c.234+967G>A (NM_001374358.1); c.373G>A (NM_001308164.1); c.373G>A, p.Val125Met (NM_001308164.2, NM_001308166.2, NM_001374355.1 and 1 more transcripts); short protein forms V125M, V50M.
Identifiers: ClinVar variation 343923 (VCV000343923.21), dbSNP rs200923387, ClinGen allele CA2682322.
Genomic context (GRCh38, chr3:158,646,748, plus strand): 5'-TATATTAAAAATTCAGATTGCTCTTTAAGACCCTCTCATACTTCATCTTATTCAGGGCAT[G>A]TGGACTTCACAATAGAAGTGGAAAGGGCCCTGAGAGTGTTGGATGGTGCAGTCCTTGTTC-3'
Protein context (NP_079272.4, residues 115-135): NINIIDTPGH[Val125Met]DFTIEVERAL

ClinVar aggregate classification (germline): Conflicting classifications of pathogenicity. Review status: criteria provided, conflicting classifications (1 of 4 stars). 6 submissions from 6 submitters: Uncertain significance (3); Likely benign (2). 1 of the submissions does not count toward it. Last evaluated 2026-01-14.

Conditions:
GFM1-related disorder. Also called: GFM1-related condition.
Hepatoencephalopathy due to combined oxidative phosphorylation defect type 1. Also called: HEPATOENCEPHALOPATHY, EARLY FATAL PROGRESSIVE. Identifiers: Orphanet 137681, MedGen C1836797, MONDO:0012191, OMIM 609060.

Allele frequency attached by ClinVar (database versions not stated): gnomAD exomes 0.00030 and 0.00015; gnomAD 0.00021 and 0.00023; ExAC 0.00025; TOPMed 0.00027.
gnomAD v4.1: 278 of 1,612,956 alleles (0.017%); highest among the groups gnomAD compares: Admixed American, 0.025%; 1 homozygote.

Submissions (6):

Labcorp Genetics (formerly Invitae), Labcorp
Classification: Likely benign. Last evaluated: 2026-01-14. Review status: criteria provided, single submitter. Criteria: Invitae Variant Classification Sherloc (09022015). Collection method: clinical testing. Allele origin: germline.

GeneDx
Classification: Uncertain significance. Last evaluated: 2025-11-20. Review status: criteria provided, single submitter. Criteria: GeneDx Variant Classification Process June 2021. Collection method: clinical testing. Allele origin: germline. Affected: yes.
Comment: In silico analysis supports that this missense variant has a deleterious effect on protein structure/function; Described as a variant of uncertain significance in a child with mitochondrial cytopathy who harbored a variant in an additional gene (PMID: 38465286); This variant is associated with the following publications: (PMID: 38465286)

Blueprint Genetics
Classification: Likely benign. Last evaluated: 2024-10-17. Review status: criteria provided, single submitter. Criteria: ACMG Guidelines, 2015. Collection method: clinical testing. Allele origin: germline.

Department of Pathology and Laboratory Medicine, Sinai Health System
Classification: Uncertain significance for Hepatoencephalopathy due to combined oxidative phosphorylation defect type 1. Last evaluated: 2022-03-08. Review status: criteria provided, single submitter. Criteria: ACMG Guidelines, 2015. Collection method: research. Allele origin: germline.

Illumina Laboratory Services, Illumina
Classification: Uncertain significance for Hepatoencephalopathy due to combined oxidative phosphorylation defect type 1. Last evaluated: 2018-01-13. Review status: criteria provided, single submitter. Criteria: ICSL Variant Classification Criteria 13 December 2019. Collection method: clinical testing. Allele origin: germline.

PreventionGenetics, part of Exact Sciences
Classification: Likely benign for GFM1-related condition. Last evaluated: 2024-06-18. Review status: no assertion criteria provided. Collection method: clinical testing. Allele origin: germline. Not counted in ClinVar's aggregate classification.
Comment: This variant is classified as likely benign based on ACMG/AMP sequence variant interpretation guidelines (Richards et al. 2015 PMID: 25741868, with internal and published modifications).